The following is an entry in ClinVar:

ClinVar aggregate classification (germline): Uncertain significance (1 of 4 stars; one submission).

Submission:

Labcorp Genetics (formerly Invitae), Labcorp
Classification: Uncertain significance. Last evaluated: 2024-02-22. Review status: criteria provided, single submitter. Criteria: Invitae Variant Classification Sherloc (09022015). Collection method: clinical testing. Allele origin: germline.
Comment: This sequence change replaces valine, which is neutral and non-polar, with aspartic acid, which is acidic and polar, at codon 1032 of the ALPK1 protein (p.Val1032Asp). This variant is not present in population databases (gnomAD no frequency). This variant has not been reported in the literature in individuals affected with ALPK1-related conditions. Advanced modeling of protein sequence and biophysical properties (such as structural, functional, and spatial information, amino acid conservation, physicochemical variation, residue mobility, and thermodynamic stability) performed at Invitae indicates that this missense variant is expected to disrupt ALPK1 protein function with a positive predictive value of 80%. In summary, the available evidence is currently insufficient to determine the role of this variant in disease. Therefore, it has been classified as a Variant of Uncertain Significance.

NM_025144.4(ALPK1):c.3095T>A (p.Val1032Asp)

Gene: ALPK1 (alpha kinase 1; plus strand). Cytogenetic location: 4q25.
Variant type: single nucleotide variant.
Coding change: c.3095T>A on transcript NM_025144.4 (MANE Select); coding-DNA position 3095, T replaced by A.
Protein change: p.Val1032Asp; replaces valine 1032 with aspartic acid.
Molecular consequence: missense variant.
Genome position (GRCh38, 1-based): chr4:112,435,208, T>A. VCF-style: chr4-112435208-T-A. GRCh37 (hg19) VCF-style: chr4-113356364-T-A.
Other names: c.3095T>A, p.Val1032Asp (NM_001102406.2); c.2861T>A, p.Val954Asp (NM_001253884.2); short protein forms V1032D, V954D.
Identifiers: ClinVar variation 3642617 (VCV003642617.2).